The following is an entry in ClinVar:

ClinVar aggregate classification (germline): Uncertain significance (1 of 4 stars; one submission).

Conditions:
Autism spectrum disorder - epilepsy - arthrogryposis syndrome (AMRS). Identifiers: Orphanet 370943, MedGen C3809910, MONDO:0014248, OMIM 615553.

Allele frequency attached by ClinVar (database versions not stated): gnomAD exomes below 0.00001; TOPMed below 0.00001.
gnomAD v4.1: 6 of 1,513,384 alleles (0.0004%); highest among the groups gnomAD compares: Non-Finnish European, 0.00053%; no homozygotes.

Submission:

Labcorp Genetics (formerly Invitae), Labcorp
Classification: Uncertain significance for Autism spectrum disorder - epilepsy - arthrogryposis syndrome. Last evaluated: 2021-08-31. Review status: criteria provided, single submitter. Criteria: Invitae Variant Classification Sherloc (09022015). Collection method: clinical testing. Allele origin: germline.
Comment: This sequence change replaces cysteine with tyrosine at codon 64 of the SLC35A3 protein (p.Cys64Tyr). The cysteine residue is moderately conserved and there is a large physicochemical difference between cysteine and tyrosine. This variant is not present in population databases (ExAC no frequency). This variant has not been reported in the literature in individuals affected with SLC35A3-related conditions. Algorithms developed to predict the effect of missense changes on protein structure and function (SIFT, PolyPhen-2, Align-GVGD) all suggest that this variant is likely to be tolerated. In summary, the available evidence is currently insufficient to determine the role of this variant in disease. Therefore, it has been classified as a Variant of Uncertain Significance.

NM_012243.3(SLC35A3):c.191G>A (p.Cys64Tyr)

Gene: SLC35A3 (solute carrier family 35 member A3; plus strand). Cytogenetic location: 1p21.2.
Variant type: single nucleotide variant.
Coding change: c.191G>A on transcript NM_012243.3 (MANE Select); coding-DNA position 191, G replaced by A.
Protein change: p.Cys64Tyr; replaces cysteine 64 with tyrosine.
Molecular consequence: missense variant.
Genome position (GRCh38, 1-based): chr1:99,999,264, G>A. VCF-style: chr1-99999264-G-A. GRCh37 (hg19) VCF-style: chr1-100464820-G-A.
Other names: c.191G>A, p.Cys64Tyr (NM_001271684.2); c.317G>A, p.Cys106Tyr (NM_001271685.2); short protein forms C106Y, C64Y.
Identifiers: ClinVar variation 951995 (VCV000951995.4), dbSNP rs1658606601, ClinGen allele CA341325792.